The following is an entry in ClinVar:

ClinVar aggregate classification (germline): Pathogenic. Review status: criteria provided, multiple submitters, no conflicts (2 of 4 stars). 3 submissions from 3 submitters: Pathogenic (3). Last evaluated 2024-03-13.

Conditions:
Xeroderma pigmentosum group A (XPA). Also called: Xeroderma pigmentosum, complementation group A; XP, group A; XPA-Related Xeroderma Pigmentosum. Identifiers: Orphanet 910, MedGen C0268135, MONDO:0010210, OMIM 278700.
Xeroderma pigmentosum (XP). Identifiers: Orphanet 910, MedGen C0043346, MONDO:0019600.

Submissions (3):

Fulgent Genetics
Classification: Pathogenic for Xeroderma pigmentosum group A. Last evaluated: 2024-03-13. Review status: criteria provided, single submitter. Criteria: ACMG Guidelines, 2015. Collection method: clinical testing. Allele origin: germline.

Women's Health and Genetics/Laboratory Corporation of America, LabCorp
Classification: Pathogenic for Xeroderma pigmentosum. Last evaluated: 2024-03-12. Review status: criteria provided, single submitter. Criteria: LabCorp Variant Classification Summary - May 2015. Collection method: clinical testing. Allele origin: germline.
Comment: Variant summary: XPA c.689dupT (p.Arg231LysfsX15) results in a premature termination codon, predicted to cause a truncation of the encoded protein, though it is not expected to result in nonsense mediated decay. The variant was absent in 251060 control chromosomes (gnomAD). c.689dupT has been reported in the literature in an individual affected with a milder form of Xeroderma Pigmentosum who was compound heterozygous with a pathogenic variant (Takahashi_2010). The patient expressed reduced levels of XPA mRNA and a truncated protein. The following publication has been ascertained in the context of this evaluation (PMID: 20574439). ClinVar contains an entry for this variant (Variation ID: 1457431). Based on the evidence outlined above, the variant was classified as pathogenic.

Labcorp Genetics (formerly Invitae), Labcorp
Classification: Pathogenic. Last evaluated: 2022-10-17. Review status: criteria provided, single submitter. Criteria: Invitae Variant Classification Sherloc (09022015). Collection method: clinical testing. Allele origin: germline.
Comment: This variant is not present in population databases (gnomAD no frequency). For these reasons, this variant has been classified as Pathogenic. This variant disrupts a region of the XPA protein in which other variant(s) (p.Arg258Tyrfs*5) have been determined to be pathogenic (PMID: 31478152). This suggests that this is a clinically significant region of the protein, and that variants that disrupt it are likely to be disease-causing. Studies have shown that this premature translational stop signal does not significantly alter or has an unclear effect on XPA gene expression (PMID: 20574439). ClinVar contains an entry for this variant (Variation ID: 1457431). This variant is also known as 690insT. This premature translational stop signal has been observed in individual(s) with xeroderma pigmentosum (PMID: 20574439). This sequence change creates a premature translational stop signal (p.Arg231Lysfs*15) in the XPA gene. While this is not anticipated to result in nonsense mediated decay, it is expected to disrupt the last 43 amino acid(s) of the XPA protein.

Literature cited by the submitters: PubMed 20574439 (cited by Women's Health and Genetics/Laboratory Corporation of America, LabCorp and Labcorp Genetics (formerly Invitae), Labcorp); PubMed 31478152 (cited by Labcorp Genetics (formerly Invitae), Labcorp).

NM_000380.4(XPA):c.689dup (p.Arg231fs)

Gene: XPA (XPA, DNA damage recognition and repair factor; minus strand). Cytogenetic location: 9q22.33.
Variant type: Duplication.
Coding change: c.689dup on transcript NM_000380.4 (MANE Select); coding-DNA position 689, one base duplicated (T; older notation c.689dupT).
Protein change: p.Arg231fs; shifts the reading frame from arginine 231.
Molecular consequence: frameshift variant. On other transcripts: non-coding transcript variant (5).
Genome position (GRCh38, 1-based): chr9:97,675,572, A duplicated on the plus strand (T on the coding strand, the reverse complement: XPA is on the minus strand). VCF-style (leftmost placement, unchanged base first): chr9-97675571-T-TA. GRCh37 (hg19) VCF-style: chr9-100437853-T-TA.
Other names: c.563dup, p.Arg189fs (NM_001354975.2); c.689dupT (NM_000380.4); short protein forms R189fs, R231fs.
Identifiers: ClinVar variation 1457431 (VCV001457431.9), dbSNP rs2131379218, ClinGen allele CA2573144799.